The following is an entry in ClinVar:

ClinVar aggregate classification (germline): Pathogenic (1 of 4 stars; one submission).

Conditions:
Bloom syndrome (BLM). Also called: Bloom-Torre-Machacek syndrome. Identifiers: Orphanet 125, MedGen C0005859, MONDO:0008876, OMIM 210900.

Submission:

Labcorp Genetics (formerly Invitae), Labcorp
Classification: Pathogenic for Bloom syndrome. Last evaluated: 2025-03-12. Review status: criteria provided, single submitter. Criteria: Invitae Variant Classification Sherloc (09022015). Collection method: clinical testing. Allele origin: germline.
Comment: This sequence change creates a premature translational stop signal (p.Gln838*) in the BLM gene. It is expected to result in an absent or disrupted protein product. Loss-of-function variants in BLM are known to be pathogenic (PMID: 17407155). This variant is not present in population databases (gnomAD no frequency). This premature translational stop signal has been observed in individual(s) with Bloom syndrome (PMID: 28611551). In at least one individual the data is consistent with being in trans (on the opposite chromosome) from a pathogenic variant. For these reasons, this variant has been classified as Pathogenic.

Literature cited by the submitters: PubMed 17407155; PubMed 28611551.

NM_000057.4(BLM):c.2512C>T (p.Gln838Ter)

Gene: BLM (BLM RecQ like helicase; plus strand). Cytogenetic location: 15q26.1.
Variant type: single nucleotide variant.
Coding change: c.2512C>T on transcript NM_000057.4 (MANE Select); coding-DNA position 2512, C replaced by T.
Protein change: p.Gln838Ter; replaces glutamine 838 with a stop codon.
Molecular consequence: nonsense.
Genome position (GRCh38, 1-based): chr15:90,769,543, C>T. VCF-style: chr15-90769543-C-T. GRCh37 (hg19) VCF-style: chr15-91312773-C-T.
Other names: c.2512C>T, p.Gln838Ter (NM_001287246.2, NM_001287247.2); c.1387C>T, p.Gln463Ter (NM_001287248.2); short protein forms Q463*, Q838*.
Identifiers: ClinVar variation 4710206 (VCV004710206.1).